The following is an entry in ClinVar:

ClinVar aggregate classification (germline): Uncertain significance (1 of 4 stars; one submission).

Conditions:
Saldino-Mainzer syndrome (SRTD9). Also called: CONORENAL SYNDROME; Renal dysplasia, retinal pigmentary dystrophy, cerebellar ataxia and skeletal dysplasia; SHORT-RIB THORACIC DYSPLASIA 9 WITHOUT POLYDACTYLY; short-rib thoracic dysplasia 9 with or without polydactyly. Identifiers: Orphanet 140969, MedGen C1849437, MONDO:0009964, OMIM 266920.

Allele frequency attached by ClinVar (database versions not stated): ExAC 0.00001; gnomAD 0.00001; gnomAD exomes 0.00001.
gnomAD v4.1: 18 of 1,613,010 alleles (0.0011%); highest among the groups gnomAD compares: Middle Eastern, 0.033%; no homozygotes.

Submission:

Labcorp Genetics (formerly Invitae), Labcorp
Classification: Uncertain significance for Saldino-Mainzer syndrome. Last evaluated: 2025-05-13. Review status: criteria provided, single submitter. Criteria: Invitae Variant Classification Sherloc (09022015). Collection method: clinical testing. Allele origin: germline.
Comment: This sequence change replaces glutamic acid, which is acidic and polar, with lysine, which is basic and polar, at codon 406 of the IFT140 protein (p.Glu406Lys). This variant is present in population databases (rs755177677, gnomAD 0.007%). This variant has not been reported in the literature in individuals affected with IFT140-related conditions. ClinVar contains an entry for this variant (Variation ID: 1388975). Invitae Evidence Modeling of protein sequence and biophysical properties (such as structural, functional, and spatial information, amino acid conservation, physicochemical variation, residue mobility, and thermodynamic stability) indicates that this missense variant is not expected to disrupt IFT140 protein function with a negative predictive value of 80%. In summary, the available evidence is currently insufficient to determine the role of this variant in disease. Therefore, it has been classified as a Variant of Uncertain Significance.

NM_014714.4(IFT140):c.1216G>A (p.Glu406Lys)

Genes: IFT140 (intraflagellar transport 140; minus strand), LOC105371046 (uncharacterized LOC105371046; plus strand). Cytogenetic location: 16p13.3.
Variant type: single nucleotide variant.
Coding change: c.1216G>A on transcript NM_014714.4 (MANE Select); coding-DNA position 1216, G replaced by A.
Protein change: p.Glu406Lys; replaces glutamic acid 406 with lysine.
Molecular consequence: missense variant.
Genome position (GRCh38, 1-based): chr16:1,584,360, C>T on the plus strand (G>A on the coding strand, the complement: IFT140 is on the minus strand). VCF-style: chr16-1584360-C-T. GRCh37 (hg19) VCF-style: chr16-1634361-C-T.
Other names: short protein forms E406K.
Identifiers: ClinVar variation 1388975 (VCV001388975.5), dbSNP rs755177677, ClinGen allele CA7814400.